The following is an entry in ClinVar:

NM_000059.4(BRCA2):c.9337A>T (p.Ile3113Phe)

Gene: BRCA2 (BRCA2 DNA repair associated; plus strand). Cytogenetic location: 13q13.1.
Variant type: single nucleotide variant.
Coding change: c.9337A>T on transcript NM_000059.4 (MANE Select); coding-DNA position 9337, A replaced by T.
Protein change: p.Ile3113Phe; replaces isoleucine 3113 with phenylalanine.
Molecular consequence: missense variant.
Genome position (GRCh38, 1-based): chr13:32,394,769, A>T. VCF-style: chr13-32394769-A-T. GRCh37 (hg19) VCF-style: chr13-32968906-A-T.
Other names: short protein forms I3113F.
Identifiers: ClinVar variation 943167 (VCV000943167.4), dbSNP rs1566258935, ClinGen allele CA387761035.

ClinVar aggregate classification (germline): Uncertain significance (1 of 4 stars; one submission).

Conditions:
Hereditary breast ovarian cancer syndrome. Also called: Hereditary breast and ovarian cancer syndrome (HBOC); Hereditary breast and ovarian cancer; Breast and ovarian cancer; BRCA1- and BRCA2-Associated Hereditary Breast and Ovarian Cancer; Hereditary breast and ovarian cancer syndrome; Hereditary breast and/or ovarian cancer syndrome. Identifiers: Orphanet 145, MedGen C0677776, MeSH D061325, MONDO:0003582. Disease mechanism: loss of function.

Submission:

Labcorp Genetics (formerly Invitae), Labcorp
Classification: Uncertain significance for Hereditary breast ovarian cancer syndrome. Last evaluated: 2023-02-01. Review status: criteria provided, single submitter. Criteria: Invitae Variant Classification Sherloc (09022015). Collection method: clinical testing. Allele origin: germline.
Comment: Advanced modeling of protein sequence and biophysical properties (such as structural, functional, and spatial information, amino acid conservation, physicochemical variation, residue mobility, and thermodynamic stability) performed at Invitae indicates that this missense variant is not expected to disrupt BRCA2 protein function. This sequence change replaces isoleucine, which is neutral and non-polar, with phenylalanine, which is neutral and non-polar, at codon 3113 of the BRCA2 protein (p.Ile3113Phe). This variant is not present in population databases (gnomAD no frequency). This variant has not been reported in the literature in individuals affected with BRCA2-related conditions. ClinVar contains an entry for this variant (Variation ID: 943167). In summary, the available evidence is currently insufficient to determine the role of this variant in disease. Therefore, it has been classified as a Variant of Uncertain Significance.